The following is an entry in ClinVar:

NM_003052.5(SLC34A1):c.1707G>T (p.Leu569=)

Gene: SLC34A1 (solute carrier family 34 member 1; plus strand). Cytogenetic location: 5q35.3.
Variant type: single nucleotide variant.
Coding change: c.1707G>T on transcript NM_003052.5 (MANE Select); coding-DNA position 1707, G replaced by T.
Protein change: p.Leu569=; no amino-acid change (leucine 569 retained).
Molecular consequence: synonymous variant.
Genome position (GRCh38, 1-based): chr5:177,398,073, G>T. VCF-style: chr5-177398073-G-T. GRCh37 (hg19) VCF-style: chr5-176825074-G-T.
Identifiers: ClinVar variation 64521 (VCV000064521.2), dbSNP rs387907507, ClinGen allele CA025516.
Genomic context (GRCh38, chr5:177,398,073, plus strand): 5'-GGCCCTGCTGGCCTTCGTGGTGCTCATCAATGTCCTGCAGAGTCGGAGTCCCGGGCACCT[G>T]CCCAAGTGGTTACAGACATGGGACTTCCTGCCTCGCTGGATGCACTCCCTGAAGCCCCTG-3'
Protein context (NP_003043.3, residues 559-579): NVLQSRSPGH[Leu569=]PKWLQTWDFL

ClinVar aggregate classification (germline): Uncertain significance (0 of 4 stars; one submission).

Submission:

Martin Pollak Laboratory,  Beth Israel Deaconess Medical Center
Classification: Uncertain significance. Review status: no assertion criteria provided. Collection method: not provided. Allele origin: unknown.
Comment: Higher UCa2+ group
ClinVar note: Converted during submission from unknown to Uncertain significance.